The following is an entry in ClinVar:

ClinVar aggregate classification (germline): Uncertain significance (1 of 4 stars; one submission).

Conditions:
Wilms tumor 1 (WT1). Also called: Wilms tumor, somatic. Identifiers: Orphanet 654, MedGen CN033288, MONDO:0008679, OMIM 194070.

Allele frequency attached by ClinVar (database versions not stated): gnomAD exomes below 0.00001; TOPMed 0.00001.
gnomAD v4.1: 2 of 1,163,178 alleles (0.00017%); highest among the groups gnomAD compares: Non-Finnish European, 0.00023%; no homozygotes.

Submission:

Labcorp Genetics (formerly Invitae), Labcorp
Classification: Uncertain significance for Wilms tumor 1. Last evaluated: 2023-11-17. Review status: criteria provided, single submitter. Criteria: Invitae Variant Classification Sherloc (09022015). Collection method: clinical testing. Allele origin: germline.
Comment: This sequence change replaces isoleucine, which is neutral and non-polar, with valine, which is neutral and non-polar, at codon 469 of the GPC3 protein (p.Ile469Val). This variant is not present in population databases (gnomAD no frequency). This variant has not been reported in the literature in individuals affected with GPC3-related conditions. ClinVar contains an entry for this variant (Variation ID: 1022513). Advanced modeling of protein sequence and biophysical properties (such as structural, functional, and spatial information, amino acid conservation, physicochemical variation, residue mobility, and thermodynamic stability) performed at Invitae indicates that this missense variant is not expected to disrupt GPC3 protein function with a negative predictive value of 80%. In summary, the available evidence is currently insufficient to determine the role of this variant in disease. Therefore, it has been classified as a Variant of Uncertain Significance.

NM_004484.4(GPC3):c.1405A>G (p.Ile469Val)

Gene: GPC3 (glypican 3; minus strand). Cytogenetic location: Xq26.2.
Variant type: single nucleotide variant.
Coding change: c.1405A>G on transcript NM_004484.4 (MANE Select); coding-DNA position 1405, A replaced by G.
Protein change: p.Ile469Val; replaces isoleucine 469 with valine.
Molecular consequence: missense variant.
Genome position (GRCh38, 1-based): chrX:133,661,738, T>C on the plus strand (A>G on the coding strand, the complement: GPC3 is on the minus strand). VCF-style: chrX-133661738-T-C. GRCh37 (hg19) VCF-style: chrX-132795766-T-C.
Other names: c.1474A>G, p.Ile492Val (NM_001164617.2); c.1357A>G, p.Ile453Val (NM_001164618.2); c.1243A>G, p.Ile415Val (NM_001164619.2); short protein forms I415V, I453V, I469V, I492V.
Identifiers: ClinVar variation 1022513 (VCV001022513.9), dbSNP rs2070728648, ClinGen allele CA414704299.